The following is an entry in ClinVar:

NM_001037333.3(CYFIP2):c.3460G>A (p.Asp1154Asn)

Genes: CYFIP2 (cytoplasmic FMR1 interacting protein 2; plus strand), NIPAL4-DT (NIPAL4 divergent transcript; minus strand), LOC126807569 (P300/CBP strongly-dependent group 1 enhancer GRCh37_chr5:156817055-156818254; plus strand). Cytogenetic location: 5q33.3.
Variant type: single nucleotide variant.
Coding change: c.3460G>A on transcript NM_001037333.3 (MANE Select); coding-DNA position 3460, G replaced by A.
Protein change: p.Asp1154Asn; replaces aspartic acid 1154 with asparagine.
Molecular consequence: missense variant.
Genome position (GRCh38, 1-based): chr5:157,390,534, G>A. VCF-style: chr5-157390534-G-A. GRCh37 (hg19) VCF-style: chr5-156817542-G-A.
Other names: c.3382G>A, p.Asp1128Asn (NM_001291721.2); c.3535G>A, p.Asp1179Asn (NM_001291722.2); c.3460G>A, p.Asp1154Asn (NM_014376.4); short protein forms D1128N, D1154N, D1179N.
Identifiers: ClinVar variation 1314723 (VCV001314723.2), dbSNP rs2113558069, ClinGen allele CA361982660.
Genomic context (GRCh38, chr5:157,390,534, plus strand): 5'-TCCTCCCCCGACCTCTCACTCCAGCTGCTTCCTCCCCCTGCTCCCAGGCAGTGTTTCGGC[G>A]ATGGCTTGAACTGGGCTGGTTGCTCCATCATTGTCCTGCTGGGCCAGCAGCGTCGCTTTG-3'
Protein context (NP_001032410.1, residues 1144-1164): NEFTAEQCFG[Asp1154Asn]GLNWAGCSII

ClinVar aggregate classification (germline): Uncertain significance (1 of 4 stars; one submission).

Allele frequency attached by ClinVar (database versions not stated): gnomAD exomes below 0.00001.
gnomAD v4.1: 3 of 1,549,472 alleles (0.00019%); highest among the groups gnomAD compares: Non-Finnish European, 0.00017%; no homozygotes.

Submission:

GeneDx
Classification: Uncertain significance. Last evaluated: 2021-04-26. Review status: criteria provided, single submitter. Criteria: GeneDx Variant Classification Process June 2021. Collection method: clinical testing. Allele origin: germline. Affected: yes.
Comment: Not observed in large population cohorts (Lek et al., 2016); In silico analysis supports that this missense variant has a deleterious effect on protein structure/function; Has not been previously published as pathogenic or benign to our knowledge